The following is an entry in ClinVar:

NM_032578.4(MYPN):c.1196C>G (p.Pro399Arg)

Gene: MYPN (myopalladin; plus strand). Cytogenetic location: 10q21.3.
Variant type: single nucleotide variant.
Coding change: c.1196C>G on transcript NM_032578.4 (MANE Select); coding-DNA position 1196, C replaced by G.
Protein change: p.Pro399Arg; replaces proline 399 with arginine.
Molecular consequence: missense variant. On other transcripts: non-coding transcript variant (2).
Genome position (GRCh38, 1-based): chr10:68,148,418, C>G. VCF-style: chr10-68148418-C-G. GRCh37 (hg19) VCF-style: chr10-69908175-C-G.
Other names: c.1196C>G, p.Pro399Arg (NM_001256267.2); c.314C>G, p.Pro105Arg (NM_001256268.2); short protein forms P105R, P399R.
Identifiers: ClinVar variation 1746047 (VCV001746047.2), dbSNP rs142973768, ClinGen allele CA376832101.

ClinVar aggregate classification (germline): Uncertain significance (1 of 4 stars; one submission).

Conditions:
Cardiovascular phenotype. Identifiers: MedGen CN230736.

Submission:

Ambry Genetics
Classification: Uncertain significance for Cardiovascular phenotype. Last evaluated: 2022-04-10. Review status: criteria provided, single submitter. Criteria: Ambry Variant Classification Scheme 2023. Collection method: clinical testing. Allele origin: germline.
Comment: The p.P399R variant (also known as c.1196C>G), located in coding exon 4 of the MYPN gene, results from a C to G substitution at nucleotide position 1196. The proline at codon 399 is replaced by arginine, an amino acid with dissimilar properties. This amino acid position is conserved. In addition, this alteration is predicted to be tolerated by in silico analysis. Since supporting evidence is limited at this time, the clinical significance of this alteration remains unclear.